The following is an entry in ClinVar:

NM_001367624.2(ZNF469):c.6306C>A (p.Ser2102Arg)

Gene: ZNF469 (zinc finger protein 469; plus strand). Cytogenetic location: 16q24.2.
Variant type: single nucleotide variant.
Coding change: c.6306C>A on transcript NM_001367624.2 (MANE Select); coding-DNA position 6306, C replaced by A.
Protein change: p.Ser2102Arg; replaces serine 2102 with arginine.
Molecular consequence: missense variant.
Genome position (GRCh38, 1-based): chr16:88,433,776, C>A. VCF-style: chr16-88433776-C-A. GRCh37 (hg19) VCF-style: chr16-88500184-C-A.
Other names: short protein forms S2102R.
Identifiers: ClinVar variation 1948415 (VCV001948415.2), dbSNP rs532279011, ClinGen allele CA8225139.
Genomic context (GRCh38, chr16:88,433,776, plus strand): 5'-GACTCCAGAGAGGGCGTCCAGCCCCGGCCTGAACAAGCCACTGCTGGCCACAGGGGATAG[C>A]CCAGCACCCTCTGTCGGGGACCTGGCCGCCTGCGCCCCCTCACCCACTTCAGCCGCCCAC-3'
Protein context (NP_001354553.1, residues 2092-2112): LNKPLLATGD[Ser2102Arg]PAPSVGDLAA

ClinVar aggregate classification (germline): Uncertain significance (1 of 4 stars; one submission).

Allele frequency attached by ClinVar (database versions not stated): gnomAD 0.00002; ExAC 0.00007; 1000 Genomes Project 30x 0.00016; 1000 Genomes Project 0.00020.
gnomAD v4.1: 22 of 1,549,604 alleles (0.0014%); highest among the groups gnomAD compares: South Asian, 0.025%; no homozygotes.

Submission:

Labcorp Genetics (formerly Invitae), Labcorp
Classification: Uncertain significance. Last evaluated: 2022-03-22. Review status: criteria provided, single submitter. Criteria: Invitae Variant Classification Sherloc (09022015). Collection method: clinical testing. Allele origin: germline.
Comment: This sequence change replaces serine, which is neutral and polar, with arginine, which is basic and polar, at codon 2074 of the ZNF469 protein (p.Ser2074Arg). This variant is present in population databases (rs532279011, gnomAD 0.03%). This variant has not been reported in the literature in individuals affected with ZNF469-related conditions. Algorithms developed to predict the effect of missense changes on protein structure and function output the following: SIFT: "Tolerated"; PolyPhen-2: "Benign"; Align-GVGD: "Class C0". The arginine amino acid residue is found in multiple mammalian species, which suggests that this missense change does not adversely affect protein function. In summary, the available evidence is currently insufficient to determine the role of this variant in disease. Therefore, it has been classified as a Variant of Uncertain Significance.